The following is an entry in ClinVar:

ClinVar aggregate classification (germline): Uncertain significance (1 of 4 stars; one submission).

Allele frequency attached by ClinVar (database versions not stated): gnomAD exomes below 0.00001.
gnomAD v4.1: 4 of 1,554,500 alleles (0.00026%); highest among the groups gnomAD compares: Non-Finnish European, 0.00035%; no homozygotes.

Submission:

Labcorp Genetics (formerly Invitae), Labcorp
Classification: Uncertain significance. Last evaluated: 2022-10-13. Review status: criteria provided, single submitter. Criteria: Invitae Variant Classification Sherloc (09022015). Collection method: clinical testing. Allele origin: germline.
Comment: Algorithms developed to predict the effect of missense changes on protein structure and function are either unavailable or do not agree on the potential impact of this missense change (SIFT: "Deleterious"; PolyPhen-2: "Possibly Damaging"; Align-GVGD: "Class C0"). In summary, the available evidence is currently insufficient to determine the role of this variant in disease. Therefore, it has been classified as a Variant of Uncertain Significance. ClinVar contains an entry for this variant (Variation ID: 1368770). This variant has not been reported in the literature in individuals affected with KIAA1549-related conditions. This variant is not present in population databases (gnomAD no frequency). This sequence change replaces glutamic acid, which is acidic and polar, with lysine, which is basic and polar, at codon 1858 of the KIAA1549 protein (p.Glu1858Lys).

NM_001164665.2(KIAA1549):c.5572G>A (p.Glu1858Lys)

Gene: KIAA1549 (KIAA1549; minus strand). Cytogenetic location: 7q34.
Variant type: single nucleotide variant.
Coding change: c.5572G>A on transcript NM_001164665.2 (MANE Select); coding-DNA position 5572, G replaced by A.
Protein change: p.Glu1858Lys; replaces glutamic acid 1858 with lysine.
Molecular consequence: missense variant.
Genome position (GRCh38, 1-based): chr7:138,840,159, C>T on the plus strand (G>A on the coding strand, the complement: KIAA1549 is on the minus strand). VCF-style: chr7-138840159-C-T. GRCh37 (hg19) VCF-style: chr7-138524904-C-T.
Other names: c.5572G>A, p.Glu1858Lys (NM_020910.3); short protein forms E1858K.
Identifiers: ClinVar variation 1368770 (VCV001368770.6), dbSNP rs2130324591, ClinGen allele CA369385647.